The following is an entry in ClinVar:

NM_000868.4(HTR2C):c.349+2T>C

Gene: HTR2C (5-hydroxytryptamine receptor 2C; plus strand). Cytogenetic location: Xq23.
Variant type: single nucleotide variant.
Coding change: c.349+2T>C on transcript NM_000868.4 (MANE Select); the canonical splice donor site of the intron after coding-DNA position 349, T replaced by C.
Molecular consequence: splice donor variant.
Genome position (GRCh38, 1-based): chrX:114,731,609, T>C. VCF-style: chrX-114731609-T-C. GRCh37 (hg19) VCF-style: chrX-113966018-T-C.
Other names: c.349+2T>C (NM_001256760.3, NM_001256761.3).
Identifiers: ClinVar variation 3354252 (VCV003354252.2).

ClinVar aggregate classification (germline): Uncertain significance (1 of 4 stars; one submission).

Conditions:
HTR2C-related disorder. Also called: HTR2C-related condition.

gnomAD v4.1: 2 of 1,153,083 alleles (0.00017%); highest among the groups gnomAD compares: Admixed American, 0.0046%; no homozygotes.

Submission:

PreventionGenetics, part of Exact Sciences
Classification: Uncertain significance for HTR2C-related condition. Last evaluated: 2025-12-03. Review status: criteria provided, single submitter. Criteria: ACMG Guidelines, 2015. Collection method: clinical testing. Allele origin: germline.
Comment: The HTR2C c.349+2T>C variant is predicted to disrupt the GT donor site and interfere with normal splicing. However, these predictions have not been supported by functional evidence. To our knowledge, this variant has not been reported in the literature. This variant is reported in 0.0041% of alleles in individuals of Latino descent in gnomAD. Splicing and other loss of function variants have not been well documented in this gene. At this time, the clinical significance of this variant is uncertain due to the absence of conclusive functional and genetic evidence.